The following is an entry in ClinVar:

NM_006231.4(POLE):c.4399C>A (p.His1467Asn)

Gene: POLE (DNA polymerase epsilon, catalytic subunit; minus strand). Cytogenetic location: 12q24.33.
Variant type: single nucleotide variant.
Coding change: c.4399C>A on transcript NM_006231.4 (MANE Select); coding-DNA position 4399, C replaced by A.
Protein change: p.His1467Asn; replaces histidine 1467 with asparagine.
Molecular consequence: missense variant.
Genome position (GRCh38, 1-based): chr12:132,643,452, G>T on the plus strand (C>A on the coding strand, the complement: POLE is on the minus strand). VCF-style: chr12-132643452-G-T. GRCh37 (hg19) VCF-style: chr12-133220038-G-T.
Other names: c.4399C>A (NM_006231.2); short protein forms H1467N.
Identifiers: ClinVar variation 665926 (VCV000665926.13), dbSNP rs753417741, ClinGen allele CA6892865.

ClinVar aggregate classification (germline): Conflicting classifications of pathogenicity. Review status: criteria provided, conflicting classifications (1 of 4 stars). 3 submissions from 3 submitters: Uncertain significance (2); Likely benign (1). Last evaluated 2025-12-14.

Conditions:
Hereditary cancer-predisposing syndrome. Also called: Tumor predisposition; Hereditary neoplastic syndrome; Neoplastic Syndromes, Hereditary; Hereditary Cancer Syndrome. Identifiers: Orphanet 140162, MedGen C0027672, MeSH D009386, MONDO:0015356.

Allele frequency attached by ClinVar (database versions not stated): gnomAD exomes below 0.00001; ExAC 0.00001; gnomAD 0.00001.
gnomAD v4.1: 6 of 1,614,118 alleles (0.00037%); highest among the groups gnomAD compares: Non-Finnish European, 0.00051%; no homozygotes.

Submissions (3):

Labcorp Genetics (formerly Invitae), Labcorp
Classification: Uncertain significance. Last evaluated: 2025-12-14. Review status: criteria provided, single submitter. Criteria: Invitae Variant Classification Sherloc (09022015). Collection method: clinical testing. Allele origin: germline.
Comment: This sequence change replaces histidine, which is basic and polar, with asparagine, which is neutral and polar, at codon 1467 of the POLE protein (p.His1467Asn). This variant is present in population databases (rs753417741, gnomAD 0.002%). This variant has not been reported in the literature in individuals affected with POLE-related conditions. ClinVar contains an entry for this variant (Variation ID: 665926). Invitae Evidence Modeling of protein sequence and biophysical properties (such as structural, functional, and spatial information, amino acid conservation, physicochemical variation, residue mobility, and thermodynamic stability) indicates that this missense variant is not expected to disrupt POLE protein function with a negative predictive value of 80%. In summary, the available evidence is currently insufficient to determine the role of this variant in disease. Therefore, it has been classified as a Variant of Uncertain Significance.

Ambry Genetics
Classification: Likely benign for Hereditary cancer-predisposing syndrome. Last evaluated: 2025-06-25. Review status: criteria provided, single submitter. Criteria: Ambry Variant Classification Scheme 2023. Collection method: clinical testing. Allele origin: germline.

Center for Genomic Medicine, Rigshospitalet, Copenhagen University Hospital
Classification: Uncertain significance. Last evaluated: 2025-03-04. Review status: criteria provided, single submitter. Criteria: ACMG Guidelines, 2015. Collection method: clinical testing. Allele origin: germline.